The following is an entry in ClinVar:

ClinVar aggregate classification (germline): Benign/Likely benign. Review status: criteria provided, multiple submitters, no conflicts (2 of 4 stars). 9 submissions from 9 submitters: Benign (2); Likely benign (6). 1 of the submissions does not count toward it. Last evaluated 2026-01-27.

Conditions:
BAP1-related disorder. Also called: BAP1-related condition.
Hereditary cancer-predisposing syndrome. Also called: Tumor predisposition; Hereditary neoplastic syndrome; Hereditary Cancer Syndrome; Neoplastic Syndromes, Hereditary. Identifiers: Orphanet 140162, MedGen C0027672, MeSH D009386, MONDO:0015356.
BAP1-related tumor predisposition syndrome (TPDS1). Also called: Tumor susceptibility linked to germline BAP1 mutations; COMMON Syndrome; TUMOR PREDISPOSITION SYNDROME 1; BAP1 tumor predisposition syndrome. Identifiers: Orphanet 289539, MedGen C3280492, MONDO:0013692, OMIM 614327.

Allele frequency attached by ClinVar (database versions not stated): TOPMed 0.00005; gnomAD exomes 0.00006 and 0.00016; ExAC 0.00011; gnomAD 0.00015 and 0.00016.
gnomAD v4.1: 118 of 1,613,692 alleles (0.0073%); highest among the groups gnomAD compares: Admixed American, 0.018%; no homozygotes.

Submissions (9):

Labcorp Genetics (formerly Invitae), Labcorp
Classification: Benign for BAP1-related tumor predisposition syndrome. Last evaluated: 2026-01-27. Review status: criteria provided, single submitter. Criteria: Invitae Variant Classification Sherloc (09022015). Collection method: clinical testing. Allele origin: germline.

CeGaT Center for Human Genetics Tuebingen
Classification: Likely benign. Last evaluated: 2025-07-01. Review status: criteria provided, single submitter. Criteria: CeGaT Center For Human Genetics Tuebingen Variant Classification Criteria Version 2. Collection method: clinical testing. Allele origin: germline. Affected: yes. Observed: 1 variant allele.
Comment: BAP1: BP4, BP7

Myriad Genetics, Inc.
Classification: Benign for BAP1-related tumor predisposition syndrome. Last evaluated: 2024-07-15. Review status: criteria provided, single submitter. Criteria: Myriad Autosomal Dominant, Autosomal Recessive and X-Linked Classification Criteria (2023). Collection method: clinical testing. Allele origin: unknown.
Comment: This variant is considered benign. This variant is a silent/synonymous amino acid change and it is not expected to impact splicing.

Blueprint Genetics
Classification: Likely benign. Last evaluated: 2024-01-11. Review status: criteria provided, single submitter. Criteria: ACMG Guidelines, 2015. Collection method: clinical testing. Allele origin: germline.

Ambry Genetics
Classification: Likely benign for Hereditary cancer-predisposing syndrome. Last evaluated: 2023-03-10. Review status: criteria provided, single submitter. Criteria: Ambry Variant Classification Scheme 2023. Collection method: clinical testing. Allele origin: germline.

Sema4
Classification: Likely benign for Hereditary cancer-predisposing syndrome. Last evaluated: 2021-07-12. Review status: criteria provided, single submitter. Criteria: Sema4 Curation Guidelines. Collection method: curation. Allele origin: germline.

GeneDx
Classification: Likely benign. Last evaluated: 2018-03-27. Review status: criteria provided, single submitter. Criteria: GeneDx Variant Classification (06012015). Collection method: clinical testing. Allele origin: germline. Affected: yes.
Comment: This variant is considered likely benign or benign based on one or more of the following criteria: it is a conservative change, it occurs at a poorly conserved position in the protein, it is predicted to be benign by multiple in silico algorithms, and/or has population frequency not consistent with disease.

Color Diagnostics, LLC DBA Color Health
Classification: Likely benign for Hereditary cancer-predisposing syndrome. Last evaluated: 2016-12-16. Review status: criteria provided, single submitter. Criteria: ACMG Guidelines, 2015. Collection method: clinical testing. Allele origin: germline.

PreventionGenetics, part of Exact Sciences
Classification: Likely benign for BAP1-related condition. Last evaluated: 2023-11-10. Review status: no assertion criteria provided. Collection method: clinical testing. Allele origin: germline. Not counted in ClinVar's aggregate classification.
Comment: This variant is classified as likely benign based on ACMG/AMP sequence variant interpretation guidelines (Richards et al. 2015 PMID: 25741868, with internal and published modifications).

NM_004656.4(BAP1):c.672C>T (p.His224=)

Gene: BAP1 (BRCA1 associated deubiquitinase 1; minus strand). Cytogenetic location: 3p21.1.
Variant type: single nucleotide variant.
Coding change: c.672C>T on transcript NM_004656.4 (MANE Select); coding-DNA position 672, C replaced by T.
Protein change: p.His224=; no amino-acid change (histidine 224 retained).
Molecular consequence: synonymous variant.
Genome position (GRCh38, 1-based): chr3:52,406,364, G>A on the plus strand (C>T on the coding strand, the complement: BAP1 is on the minus strand). VCF-style: chr3-52406364-G-A. GRCh37 (hg19) VCF-style: chr3-52440380-G-A.
Other names: c.672C>T (LRG_529t1).
Identifiers: ClinVar variation 417277 (VCV000417277.31), dbSNP rs756217463, ClinGen allele CA2437019.
Genomic context (GRCh38, chr3:52,406,364, plus strand): 5'-CCTGGCCTCATACTTGATCCTGCGGTCGGGCACCACTGCCATCAGGTTGAAGCGGATGTC[G>A]TGGTAGGGCTCCCTGCAGTCACAGCCGCAGCCGTGAGAGCAGCTCCCGCCCCGGCCCCGC-3'
Protein context (NP_004647.1, residues 214-234): IGLATAGEPY[His224=]DIRFNLMAVV